The following is an entry in ClinVar:

NM_015267.4(CUX2):c.2482G>C (p.Asp828His)

Gene: CUX2 (cut like homeobox 2; plus strand). Cytogenetic location: 12q24.12.
Variant type: single nucleotide variant.
Coding change: c.2482G>C on transcript NM_015267.4 (MANE Select); coding-DNA position 2482, G replaced by C.
Protein change: p.Asp828His; replaces aspartic acid 828 with histidine.
Molecular consequence: missense variant.
Genome position (GRCh38, 1-based): chr12:111,320,491, G>C. VCF-style: chr12-111320491-G-C. GRCh37 (hg19) VCF-style: chr12-111758295-G-C.
Other names: c.2296G>C, p.Asp766His (NM_001370598.1); short protein forms D766H, D828H.
Identifiers: ClinVar variation 1339195 (VCV001339195.2), dbSNP rs1887467909, ClinGen allele CA386713376.

ClinVar aggregate classification (germline): Uncertain significance (1 of 4 stars; one submission).

Conditions:
Developmental and epileptic encephalopathy, 67. Also called: EPILEPTIC ENCEPHALOPATHY, EARLY INFANTILE, 67. Identifiers: MedGen C4748341, MONDO:0029138, OMIM 618141.

Submission:

Neuberg Centre For Genomic Medicine, NCGM
Classification: Uncertain significance for Developmental and epileptic encephalopathy, 67. Review status: criteria provided, single submitter. Criteria: ACMG Guidelines, 2015. Collection method: clinical testing. Allele origin: germline. Affected: yes.
Comment: The missense variant p.D828H in CUX2 (NM_015267.4) has not been reported previously as a pathogenic variant nor as a benign variant, to our knowledge. The p.D828H variant is novel (not in any individuals) in gnomAD Exomes and is novel (not in any individuals) in 1000 Genomes. The p.D828H missense variant is predicted to be damaging by both SIFT and PolyPhen2. The nucleotide c.2482 in CUX2 is predicted conserved by GERP++ and PhyloP across 100 vertebrates. For these reasons, this variant has been classified as Uncertain Significance.